The following is an entry in ClinVar:

ClinVar aggregate classification (germline): Uncertain significance (1 of 4 stars; one submission).

Conditions:
Long QT syndrome (LQTS). Identifiers: MedGen C0023976, MeSH D008133, MONDO:0002442. Disease mechanism: loss of function. Inheritance: Various modes of inheritance.

Submission:

Labcorp Genetics (formerly Invitae), Labcorp
Classification: Uncertain significance for Long QT syndrome. Last evaluated: 2023-04-05. Review status: criteria provided, single submitter. Criteria: Invitae Variant Classification Sherloc (09022015). Collection method: clinical testing. Allele origin: germline.
Comment: This sequence change replaces leucine, which is neutral and non-polar, with histidine, which is basic and polar, at codon 697 of the CACNA1C protein (p.Leu697His). This variant is not present in population databases (gnomAD no frequency). This variant has not been reported in the literature in individuals affected with CACNA1C-related conditions. Advanced modeling of protein sequence and biophysical properties (such as structural, functional, and spatial information, amino acid conservation, physicochemical variation, residue mobility, and thermodynamic stability) performed at Invitae indicates that this missense variant is expected to disrupt CACNA1C protein function. In summary, the available evidence is currently insufficient to determine the role of this variant in disease. Therefore, it has been classified as a Variant of Uncertain Significance.

NM_000719.7(CACNA1C):c.2090T>A (p.Leu697His)

Gene: CACNA1C (calcium voltage-gated channel subunit alpha1 C; plus strand). Cytogenetic location: 12p13.33.
Variant type: single nucleotide variant.
Coding change: c.2090T>A on transcript NM_000719.7 (MANE Select); coding-DNA position 2090, T replaced by A.
Protein change: p.Leu697His; replaces leucine 697 with histidine.
Molecular consequence: missense variant.
Genome position (GRCh38, 1-based): chr12:2,581,784, T>A. VCF-style: chr12-2581784-T-A. GRCh37 (hg19) VCF-style: chr12-2690950-T-A.
Other names: c.2090T>A, p.Leu697His (NM_001129827.2, NM_001129838.2, NM_001129839.2 and 18 more transcripts); c.2081T>A, p.Leu694His (NM_001129844.2); short protein forms L697H, L694H.
Identifiers: ClinVar variation 2852114 (VCV002852114.3), dbSNP rs2514764560, ClinGen allele CA383370516.